The following is an entry in ClinVar:

NM_001286445.3(RIPOR2):c.447+100C>T

Gene: RIPOR2 (RHO family interacting cell polarization regulator 2; minus strand). Cytogenetic location: 6p22.3.
Variant type: single nucleotide variant.
Coding change: c.447+100C>T on transcript NM_001286445.3 (MANE Select); 100 bases into the intron after coding-DNA position 447, C replaced by T.
Molecular consequence: intron variant.
Genome position (GRCh38, 1-based): chr6:24,870,766, G>A on the plus strand (C>T on the coding strand, the complement: RIPOR2 is on the minus strand). VCF-style: chr6-24870766-G-A. GRCh37 (hg19) VCF-style: chr6-24870994-G-A.
Other names: c.360+100C>T (NM_001346031.2, NM_014722.5, NM_001346032.2 and 2 more transcripts); c.462+100C>T (NM_001286446.3).
Identifiers: ClinVar variation 683135 (VCV000683135.1), dbSNP rs143347427, ClinGen allele CA136163742.

ClinVar aggregate classification (germline): Benign (1 of 4 stars; one submission).

Allele frequency attached by ClinVar (database versions not stated): gnomAD 0.03977 and 0.04244; 1000 Genomes Project 0.04393; TOPMed 0.04586; 1000 Genomes Project 30x 0.04716.
gnomAD v4.1: 11,845 of 795,572 alleles (1.5%); highest among the groups gnomAD compares: African/African-American, 12%; 471 homozygotes.

Submission:

GeneDx
Classification: Benign. Last evaluated: 2018-06-16. Review status: criteria provided, single submitter. Criteria: GeneDx Variant Classification (06012015). Collection method: clinical testing. Allele origin: germline. Affected: yes.
Comment: This variant is considered likely benign or benign based on one or more of the following criteria: it is a conservative change, it occurs at a poorly conserved position in the protein, it is predicted to be benign by multiple in silico algorithms, and/or has population frequency not consistent with disease.